The following is an entry in ClinVar:

ClinVar aggregate classification (germline): Uncertain significance (1 of 4 stars; one submission).

Conditions:
Primary ciliary dyskinesia 5. Also called: CILIARY DYSKINESIA, PRIMARY, 5, WITHOUT SITUS INVERSUS. Identifiers: Orphanet 244, MedGen C1837615, MONDO:0012088, OMIM 608647.

Submission:

Genetics and Molecular Pathology, SA Pathology
Classification: Uncertain significance for Primary ciliary dyskinesia 5. Last evaluated: 2020-04-03. Review status: criteria provided, single submitter. Criteria: ACMG Guidelines, 2015. Collection method: clinical testing. Allele origin: germline. Affected: yes.
Comment: The HYDIN c.8093A>T variant is a single nucleotide change from an adenine to a thymine at position 8093 which is predicted to change the lycine at position 2698 in the protein to methionine. The variant has not been described in the literature to date. The variant has not been reported in dbSNP and is absent from population databases (PM2). The variant has not been reported in the ClinVar or HGMD disease databases. Computational predictions support a deleterious effect on the gene or gene product (PP3).

NM_001270974.2(HYDIN):c.8093A>T (p.Lys2698Met)

Gene: HYDIN (HYDIN axonemal central pair apparatus protein; minus strand). Cytogenetic location: 16q22.2.
Variant type: single nucleotide variant.
Coding change: c.8093A>T on transcript NM_001270974.2 (MANE Select); coding-DNA position 8093, A replaced by T.
Protein change: p.Lys2698Met; replaces lysine 2698 with methionine.
Molecular consequence: missense variant.
Genome position (GRCh38, 1-based): chr16:70,908,773, T>A on the plus strand (A>T on the coding strand, the complement: HYDIN is on the minus strand). VCF-style: chr16-70908773-T-A. GRCh37 (hg19) VCF-style: chr16-70942676-T-A.
Other names: short protein forms K2698M.
Identifiers: ClinVar variation 1698801 (VCV001698801.2), dbSNP rs2143778645, ClinGen allele CA396614528.